The following is an entry in ClinVar:

NM_001023.4(RPS20):c.4-3T>A

Gene: RPS20 (ribosomal protein S20; minus strand). Cytogenetic location: 8q12.1.
Variant type: single nucleotide variant.
Coding change: c.4-3T>A on transcript NM_001023.4 (MANE Select); 3 bases into the intron before coding-DNA position 4, T replaced by A.
Molecular consequence: intron variant.
Genome position (GRCh38, 1-based): chr8:56,074,162, A>T on the plus strand (T>A on the coding strand, the complement: RPS20 is on the minus strand). VCF-style: chr8-56074162-A-T. GRCh37 (hg19) VCF-style: chr8-56986721-A-T.
Other names: c.4-3T>A (NM_001146227.3).
Identifiers: ClinVar variation 655803 (VCV000655803.7), dbSNP rs7841901, ClinGen allele CA4754478.

ClinVar aggregate classification (germline): Conflicting classifications of pathogenicity. Review status: criteria provided, conflicting classifications (1 of 4 stars). 2 submissions from 2 submitters: Uncertain significance (1); Likely benign (1). Last evaluated 2025-12-23.

Allele frequency attached by ClinVar (database versions not stated): TOPMed 0.00005.
gnomAD v4.1: 14 of 1,608,284 alleles (0.00087%); highest among the groups gnomAD compares: East Asian, 0.031%; no homozygotes.

Submissions (2):

Labcorp Genetics (formerly Invitae), Labcorp
Classification: Uncertain significance. Last evaluated: 2025-12-23. Review status: criteria provided, single submitter. Criteria: Invitae Variant Classification Sherloc (09022015). Collection method: clinical testing. Allele origin: germline.
Comment: This sequence change falls in intron 1 of the RPS20 gene. It does not directly change the encoded amino acid sequence of the RPS20 protein. It affects a nucleotide within the consensus splice site. This variant is present in population databases (rs7841901, gnomAD 0.07%), and has an allele count higher than expected for a pathogenic variant. This variant has not been reported in the literature in individuals affected with RPS20-related conditions. ClinVar contains an entry for this variant (Variation ID: 655803). Variants that disrupt the consensus splice site are a relatively common cause of aberrant splicing (PMID: 17576681, 9536098). Algorithms developed to predict the effect of sequence changes on RNA splicing suggest that this variant may disrupt the consensus splice site. In summary, the available evidence is currently insufficient to determine the role of this variant in disease. Therefore, it has been classified as a Variant of Uncertain Significance.

Ambry Genetics
Classification: Likely benign. Last evaluated: 2025-03-03. Review status: criteria provided, single submitter. Criteria: Ambry Variant Classification Scheme 2023. Collection method: clinical testing. Allele origin: germline.

Literature cited by the submitters: PubMed 17576681 (cited by Labcorp Genetics (formerly Invitae), Labcorp); PubMed 9536098 (cited by Labcorp Genetics (formerly Invitae), Labcorp).